The following is an entry in ClinVar:

NM_001098511.3(KIF2A):c.103G>A (p.Asp35Asn)

Gene: KIF2A (kinesin family member 2A; plus strand). Cytogenetic location: 5q12.1.
Variant type: single nucleotide variant.
Coding change: c.103G>A on transcript NM_001098511.3 (MANE Select); coding-DNA position 103, G replaced by A.
Protein change: p.Asp35Asn; replaces aspartic acid 35 with asparagine.
Molecular consequence: missense variant.
Genome position (GRCh38, 1-based): chr5:62,347,168, G>A. VCF-style: chr5-62347168-G-A. GRCh37 (hg19) VCF-style: chr5-61642995-G-A.
Other names: c.22G>A, p.Asp8Asn (NM_001243952.2); c.103G>A, p.Asp35Asn (NM_001243953.2, NM_004520.5); c.103G>A (NM_001098511.2); short protein forms D35N, D8N.
Identifiers: ClinVar variation 1429203 (VCV001429203.7), dbSNP rs150192070, ClinGen allele CA3278690.

ClinVar aggregate classification (germline): Uncertain significance. Review status: criteria provided, multiple submitters, no conflicts (2 of 4 stars). 2 submissions from 2 submitters: Uncertain significance (2). Last evaluated 2026-02-02.

Conditions:
Inborn genetic diseases. Identifiers: MedGen C0950123, MeSH D030342.

Allele frequency attached by ClinVar (database versions not stated): ExAC 0.00001; gnomAD exomes 0.00002; gnomAD 0.00003 and 0.00004; TOPMed 0.00004; ESP Exome Variant Server 0.00008.
gnomAD v4.1: 28 of 1,604,216 alleles (0.0017%); highest among the groups gnomAD compares: Non-Finnish European, 0.0023%; no homozygotes.

Submissions (2):

Labcorp Genetics (formerly Invitae), Labcorp
Classification: Uncertain significance. Last evaluated: 2026-02-02. Review status: criteria provided, single submitter. Criteria: Invitae Variant Classification Sherloc (09022015). Collection method: clinical testing. Allele origin: germline.
Comment: This sequence change replaces aspartic acid, which is acidic and polar, with asparagine, which is neutral and polar, at codon 35 of the KIF2A protein (p.Asp35Asn). This variant is present in population databases (rs150192070, gnomAD 0.004%). This variant has not been reported in the literature in individuals affected with KIF2A-related conditions. ClinVar contains an entry for this variant (Variation ID: 1429203). An algorithm developed to predict the effect of missense changes on protein structure and function (PolyPhen-2) suggests that this variant is likely to be tolerated. In summary, the available evidence is currently insufficient to determine the role of this variant in disease. Therefore, it has been classified as a Variant of Uncertain Significance.

Ambry Genetics
Classification: Uncertain significance for Inborn genetic diseases. Last evaluated: 2025-09-05. Review status: criteria provided, single submitter. Criteria: Ambry Variant Classification Scheme 2023. Collection method: clinical testing. Allele origin: germline.